The following is an entry in ClinVar:

ClinVar aggregate classification (germline): Uncertain significance (1 of 4 stars; one submission).

Allele frequency attached by ClinVar (database versions not stated): ExAC 0.00001.
gnomAD v4.1: 3 of 1,614,026 alleles (0.00019%); highest among the groups gnomAD compares: Admixed American, 0.005%; no homozygotes.

Submission:

Labcorp Genetics (formerly Invitae), Labcorp
Classification: Uncertain significance. Last evaluated: 2022-06-14. Review status: criteria provided, single submitter. Criteria: Invitae Variant Classification Sherloc (09022015). Collection method: clinical testing. Allele origin: germline.
Comment: This sequence change replaces arginine, which is basic and polar, with serine, which is neutral and polar, at codon 536 of the ARMC9 protein (p.Arg536Ser). This variant is present in population databases (rs201558091, gnomAD 0.006%). This variant has not been reported in the literature in individuals affected with ARMC9-related conditions. Experimental studies and prediction algorithms are not available or were not evaluated, and the functional significance of this variant is currently unknown. In summary, the available evidence is currently insufficient to determine the role of this variant in disease. Therefore, it has been classified as a Variant of Uncertain Significance.

NM_001352754.2(ARMC9):c.1606C>A (p.Arg536Ser)

Gene: ARMC9 (armadillo repeat containing 9; plus strand). Cytogenetic location: 2q37.1.
Variant type: single nucleotide variant.
Coding change: c.1606C>A on transcript NM_001352754.2 (MANE Select); coding-DNA position 1606, C replaced by A.
Protein change: p.Arg536Ser; replaces arginine 536 with serine.
Molecular consequence: missense variant. On other transcripts: non-coding transcript variant (1).
Genome position (GRCh38, 1-based): chr2:231,282,113, C>A. VCF-style: chr2-231282113-C-A. GRCh37 (hg19) VCF-style: chr2-232146826-C-A.
Other names: c.1606C>A, p.Arg536Ser (NM_001271466.4, NM_001291656.2, NM_001352755.2 and 3 more transcripts); c.1507C>A, p.Arg503Ser (NM_001352757.2, NM_001352758.2); short protein forms R503S, R536S.
Identifiers: ClinVar variation 1950640 (VCV001950640.4), dbSNP rs201558091, ClinGen allele CA2160400.